The following is an entry in ClinVar:

NM_005337.5(NCKAP1L):c.552C>A (p.Asp184Glu)

Gene: NCKAP1L (NCK associated protein 1 like; plus strand). Cytogenetic location: 12q13.2.
Variant type: single nucleotide variant.
Coding change: c.552C>A on transcript NM_005337.5 (MANE Select); coding-DNA position 552, C replaced by A.
Protein change: p.Asp184Glu; replaces aspartic acid 184 with glutamic acid.
Molecular consequence: missense variant.
Genome position (GRCh38, 1-based): chr12:54,509,714, C>A. VCF-style: chr12-54509714-C-A. GRCh37 (hg19) VCF-style: chr12-54903498-C-A.
Other names: c.402C>A, p.Asp134Glu (NM_001184976.2); c.552C>A (NM_005337.4); short protein forms D134E, D184E.
Identifiers: ClinVar variation 2168584 (VCV002168584.2), dbSNP rs991985224, ClinGen allele CA237455849.

ClinVar aggregate classification (germline): Uncertain significance. Review status: criteria provided, multiple submitters, no conflicts (2 of 4 stars). 2 submissions from 2 submitters: Uncertain significance (2). Last evaluated 2023-12-22.

Allele frequency attached by ClinVar (database versions not stated): gnomAD 0.00001; TOPMed 0.00008.
gnomAD v4.1: 7 of 1,614,166 alleles (0.00043%); highest among the groups gnomAD compares: Admixed American, 0.005%; no homozygotes.

Submissions (2):

Ambry Genetics
Classification: Uncertain significance. Last evaluated: 2023-12-22. Review status: criteria provided, single submitter. Criteria: Ambry Variant Classification Scheme 2023. Collection method: clinical testing. Allele origin: germline.

Labcorp Genetics (formerly Invitae), Labcorp
Classification: Uncertain significance. Last evaluated: 2022-06-07. Review status: criteria provided, single submitter. Criteria: Invitae Variant Classification Sherloc (09022015). Collection method: clinical testing. Allele origin: germline.
Comment: This sequence change replaces aspartic acid, which is acidic and polar, with glutamic acid, which is acidic and polar, at codon 184 of the NCKAP1L protein (p.Asp184Glu). This variant is present in population databases (no rsID available, gnomAD no frequency). This variant has not been reported in the literature in individuals affected with NCKAP1L-related conditions. Algorithms developed to predict the effect of missense changes on protein structure and function output the following: SIFT: "Tolerated"; PolyPhen-2: "Benign"; Align-GVGD: "Class C0". The glutamic acid amino acid residue is found in multiple mammalian species, which suggests that this missense change does not adversely affect protein function. In summary, the available evidence is currently insufficient to determine the role of this variant in disease. Therefore, it has been classified as a Variant of Uncertain Significance.